The following is an entry in ClinVar:

ClinVar aggregate classification (germline): Uncertain significance. Review status: criteria provided, multiple submitters, no conflicts (2 of 4 stars). 2 submissions from 2 submitters: Uncertain significance (2). Last evaluated 2026-09-01.

Conditions:
Inborn genetic diseases. Identifiers: MedGen C0950123, MeSH D030342.
Nemaline myopathy 2 (NEM2). Also called: Nemaline myopathy 2, autosomal recessive. Identifiers: MedGen C1850569, MONDO:0009725, OMIM 256030.

Allele frequency attached by ClinVar (database versions not stated): gnomAD 0.00001; TOPMed below 0.00001.
gnomAD v4.1: 2 of 1,610,794 alleles (0.00012%); highest among the groups gnomAD compares: Non-Finnish European, 0.00017%; no homozygotes.

Submissions (2):

Ambry Genetics
Classification: Uncertain significance for Inborn genetic diseases. Last evaluated: 2026-09-01. Review status: criteria provided, single submitter. Criteria: Ambry Variant Classification Scheme 2023. Collection method: clinical testing. Allele origin: germline.

Labcorp Genetics (formerly Invitae), Labcorp
Classification: Uncertain significance for Nemaline myopathy 2. Last evaluated: 2020-09-29. Review status: criteria provided, single submitter. Criteria: Invitae Variant Classification Sherloc (09022015). Collection method: clinical testing. Allele origin: germline.
Comment: This sequence change replaces lysine with glutamic acid at codon 1096 of the NEB protein (p.Lys1096Glu). The lysine residue is moderately conserved and there is a small physicochemical difference between lysine and glutamic acid. This variant is not present in population databases (ExAC no frequency). This variant has not been reported in the literature in individuals with NEB-related conditions. Algorithms developed to predict the effect of missense changes on protein structure and function are either unavailable or do not agree on the potential impact of this missense change (SIFT: "Deleterious"; PolyPhen-2: "Not Available"; Align-GVGD: "Class C0"). In summary, the available evidence is currently insufficient to determine the role of this variant in disease. Therefore, it has been classified as a Variant of Uncertain Significance.

NM_001164508.2(NEB):c.3286A>G (p.Lys1096Glu)

Gene: NEB (nebulin; minus strand). Cytogenetic location: 2q23.3.
Variant type: single nucleotide variant.
Coding change: c.3286A>G on transcript NM_001164508.2 (MANE Select); coding-DNA position 3286, A replaced by G.
Protein change: p.Lys1096Glu; replaces lysine 1096 with glutamic acid.
Molecular consequence: missense variant.
Genome position (GRCh38, 1-based): chr2:151,678,157, T>C on the plus strand (A>G on the coding strand, the complement: NEB is on the minus strand). VCF-style: chr2-151678157-T-C. GRCh37 (hg19) VCF-style: chr2-152534671-T-C.
Other names: c.3286A>G, p.Lys1096Glu (NM_001164507.2, NM_001271208.2, NM_004543.5); c.3286A>G (NM_004543.4); short protein forms K1096E.
Identifiers: ClinVar variation 2063481 (VCV002063481.2), dbSNP rs775164626, ClinGen allele CA57658098.